The following is an entry in ClinVar:

NM_001032382.2(PQBP1):c.424C>T (p.Arg142Ter)

Gene: PQBP1 (polyglutamine binding protein 1; plus strand). Cytogenetic location: Xp11.23.
Variant type: single nucleotide variant.
Coding change: c.424C>T on transcript NM_001032382.2 (MANE Select); coding-DNA position 424, C replaced by T.
Protein change: p.Arg142Ter; replaces arginine 142 with a stop codon.
Molecular consequence: nonsense. On other transcripts: intron variant (2).
Genome position (GRCh38, 1-based): chrX:48,902,364, C>T. VCF-style: chrX-48902364-C-T. GRCh37 (hg19) VCF-style: chrX-48759641-C-T.
Other names: c.424C>T, p.Arg142Ter (NM_001032381.2, NM_001032383.2, NM_001032384.1 and 2 more transcripts); c.400C>T, p.Arg134Ter (NM_001167990.2); c.292+322C>T (NM_144495.3); c.202-78C>T (NM_001167992.1); short protein forms R134*, R142*.
Identifiers: ClinVar variation 1176932 (VCV001176932.35), dbSNP rs2147474434, ClinGen allele CA412890006.

ClinVar aggregate classification (germline): Pathogenic (1 of 4 stars; one submission).

Submission:

CeGaT Center for Human Genetics Tuebingen
Classification: Pathogenic. Last evaluated: 2023-02-01. Review status: criteria provided, single submitter. Criteria: CeGaT Center For Human Genetics Tuebingen Variant Classification Criteria Version 2. Collection method: clinical testing. Allele origin: germline. Affected: yes. Observed: 3 variant alleles.
Comment: PQBP1: PVS1, PM2, PS4:Moderate